The following is an entry in ClinVar:

NM_018136.5(ASPM):c.8452G>T (p.Ala2818Ser)

Gene: ASPM (assembly factor for spindle microtubules; minus strand). Cytogenetic location: 1q31.3.
Variant type: single nucleotide variant.
Coding change: c.8452G>T on transcript NM_018136.5 (MANE Select); coding-DNA position 8452, G replaced by T.
Protein change: p.Ala2818Ser; replaces alanine 2818 with serine.
Molecular consequence: missense variant. On other transcripts: intron variant (1).
Genome position (GRCh38, 1-based): chr1:197,100,799, C>A on the plus strand (G>T on the coding strand, the complement: ASPM is on the minus strand). VCF-style: chr1-197100799-C-A. GRCh37 (hg19) VCF-style: chr1-197069929-C-A.
Other names: c.4066-4635G>T (NM_001206846.2); short protein forms A2818S.
Identifiers: ClinVar variation 499424 (VCV000499424.18), dbSNP rs188955444, ClinGen allele CA1309217.

ClinVar aggregate classification (germline): Conflicting classifications of pathogenicity. Review status: criteria provided, conflicting classifications (1 of 4 stars). 4 submissions from 4 submitters: Uncertain significance (2); Likely benign (1). 1 of the submissions does not count toward it. Last evaluated 2026-01-26.

Conditions:
ASPM-related disorder. Also called: ASPM-related condition.
Microcephaly 5, primary, autosomal recessive (MCPH5). Also called: ASPM Primary Microcephaly. Identifiers: Orphanet 2512, MedGen C1837501, MONDO:0012106, OMIM 608716.

Allele frequency attached by ClinVar (database versions not stated): gnomAD 0.00021 and 0.00031; 1000 Genomes Project 0.00140; gnomAD exomes 0.00022 and 0.00058; TOPMed 0.00037; ExAC 0.00059; 1000 Genomes Project 30x 0.00109.
gnomAD v4.1: 387 of 1,612,524 alleles (0.024%); highest among the groups gnomAD compares: East Asian, 0.76%; 1 homozygote.

Submissions (4):

Labcorp Genetics (formerly Invitae), Labcorp
Classification: Likely benign. Last evaluated: 2026-01-26. Review status: criteria provided, single submitter. Criteria: Invitae Variant Classification Sherloc (09022015). Collection method: clinical testing. Allele origin: germline.

Victorian Clinical Genetics Services, Murdoch Childrens Research Institute
Classification: Uncertain significance for Microcephaly 5, primary, autosomal recessive. Last evaluated: 2019-08-28. Review status: criteria provided, single submitter. Criteria: ACMG Guidelines, 2015. Collection method: clinical testing. Allele origin: germline. Inheritance: Autosomal recessive inheritance. Affected: yes.
Comment: A heterozygous missense variant, NM_018136.4(ASPM):c.8452G>T, has been identified in exon 18 of 28 of the ASPM gene. The variant is predicted to result in a moderate amino acid change from alanine to serine at position 2818 of the protein (NP_060606.3(ASPM):p.(Ala2818Ser)). The alanine residue at this position has low conservation (100 vertebrates, UCSC), but is not located within a well established functional domain. In silico predictions of pathogenicity for this variant are conflicting (Polyphen, SIFT, CADD, Mutation Taster). The variant is present in the gnomAD database at a frequency of 0.05% (153 heterozygotes, 0 homozygotes) and has been previously described as a variant of uncertain significance (ClinVar). Based on the information available at the time of curation, this variant has been classified as a VARIANT of UNCERTAIN SIGNIFICANCE (VUS).

Eurofins Ntd Llc (ga)
Classification: Uncertain significance. Last evaluated: 2017-01-30. Review status: criteria provided, single submitter. Criteria: EGL Classification Definitions 2015. Collection method: clinical testing. Allele origin: germline. Observed: 1 variant allele, 1 heterozygote.

PreventionGenetics, part of Exact Sciences
Classification: Benign for ASPM-related condition. Last evaluated: 2019-02-28. Review status: no assertion criteria provided. Collection method: clinical testing. Allele origin: germline. Not counted in ClinVar's aggregate classification.
Comment: This variant is classified as benign based on ACMG/AMP sequence variant interpretation guidelines (Richards et al. 2015 PMID: 25741868, with internal and published modifications).